The following is an entry in ClinVar:

NM_021222.3(PRUNE1):c.569C>T (p.Ala190Val)

Gene: PRUNE1 (prune exopolyphosphatase 1; plus strand). Cytogenetic location: 1q21.3.
Variant type: single nucleotide variant.
Coding change: c.569C>T on transcript NM_021222.3 (MANE Select); coding-DNA position 569, C replaced by T.
Protein change: p.Ala190Val; replaces alanine 190 with valine.
Molecular consequence: missense variant. On other transcripts: non-coding transcript variant (2), intron variant (1).
Genome position (GRCh38, 1-based): chr1:151,025,563, C>T. VCF-style: chr1-151025563-C-T. GRCh37 (hg19) VCF-style: chr1-150998039-C-T.
Other names: c.23C>T, p.Ala8Val (NM_001303229.2); c.569C>T, p.Ala190Val (NM_001303242.2); c.77-1670C>T (NM_001303243.2); short protein forms A190V, A8V.
Identifiers: ClinVar variation 2049819 (VCV002049819.4), dbSNP rs1426975986, ClinGen allele CA341905415.

ClinVar aggregate classification (germline): Uncertain significance (1 of 4 stars; one submission).

Submission:

Labcorp Genetics (formerly Invitae), Labcorp
Classification: Uncertain significance. Last evaluated: 2022-05-12. Review status: criteria provided, single submitter. Criteria: Invitae Variant Classification Sherloc (09022015). Collection method: clinical testing. Allele origin: germline.
Comment: This variant is not present in population databases (gnomAD no frequency). This sequence change replaces alanine, which is neutral and non-polar, with valine, which is neutral and non-polar, at codon 190 of the PRUNE1 protein (p.Ala190Val). This variant has not been reported in the literature in individuals affected with PRUNE1-related conditions. In summary, the available evidence is currently insufficient to determine the role of this variant in disease. Therefore, it has been classified as a Variant of Uncertain Significance. Algorithms developed to predict the effect of sequence changes on RNA splicing suggest that this variant may create or strengthen a splice site. Algorithms developed to predict the effect of missense changes on protein structure and function output the following: SIFT: "Tolerated"; PolyPhen-2: "Benign"; Align-GVGD: "Class C0". The valine amino acid residue is found in multiple mammalian species, which suggests that this missense change does not adversely affect protein function.